The following is an entry in ClinVar:

NM_001267550.2(TTN):c.51576_51577del (p.Arg17193fs)

Genes: TTN (titin; minus strand), TTN-AS1 (TTN antisense RNA 1; plus strand). Cytogenetic location: 2q31.2.
Variant type: Deletion.
Coding change: c.51576_51577del on transcript NM_001267550.2 (MANE Select); coding-DNA positions 51576 to 51577, 2 bases deleted (AA; older notation c.51576_51577delAA).
Protein change: p.Arg17193fs; shifts the reading frame from arginine 17193.
Molecular consequence: frameshift variant.
Genome position (GRCh38, 1-based): chr2:178,609,846-178,609,847, TT deleted on the plus strand (AA on the coding strand, the reverse complement: TTN is on the minus strand); deleting any 2 consecutive bases within chr2:178,609,846-178,609,848 gives the same sequence; the c. name uses the placement nearest the transcript's 3' end. VCF-style (leftmost placement, unchanged base first): chr2-178609845-CTT-C. GRCh37 (hg19) VCF-style: chr2-179474572-CTT-C.
Other names: c.46653_46654del, p.Arg15552fs (NM_001256850.1); c.24381_24382del, p.Arg8128fs (NM_003319.4); c.43872_43873del, p.Arg14625fs (NM_133378.4); c.24756_24757del, p.Arg8253fs (NM_133432.3); c.24957_24958del, p.Arg8320fs (NM_133437.4); short protein forms R14625fs, R15552fs, R17193fs, R8128fs, R8253fs, R8320fs.
Identifiers: ClinVar variation 1067005 (VCV001067005.9), dbSNP rs2154198710, ClinGen allele CA2499215429.

ClinVar aggregate classification (germline): Likely pathogenic (1 of 4 stars; one submission).

Conditions:
Dilated cardiomyopathy 1G (CMD1G). Identifiers: Orphanet 154, MedGen C1858763, MONDO:0011400, OMIM 604145.
Autosomal recessive limb-girdle muscular dystrophy type 2J (LGMDR10). Also called: Limb-girdle muscular dystrophy, type 2J; MUSCULAR DYSTROPHY, LIMB-GIRDLE, AUTOSOMAL RECESSIVE 10. Identifiers: Orphanet 140922, MedGen C1837342, MONDO:0012127, OMIM 608807.

Submission:

Labcorp Genetics (formerly Invitae), Labcorp
Classification: Likely pathogenic for Dilated cardiomyopathy 1G; Autosomal recessive limb-girdle muscular dystrophy type 2J. Last evaluated: 2020-10-30. Review status: criteria provided, single submitter. Criteria: Invitae Variant Classification Sherloc (09022015). Collection method: clinical testing. Allele origin: germline.
Comment: This variant is located in the A band of TTN (PMID: 25589632). Truncating variants in this region are significantly overrepresented in patients affected with dilated cardiomyopathy (PMID: 25589632). Truncating variants in this region have also been reported in individuals affected with autosomal recessive centronuclear myopathy (PMID: 23975875). In summary, the currently available evidence indicates that the variant is pathogenic, but additional data are needed to prove that conclusively. Therefore, this variant has been classified as Likely Pathogenic. This variant has been observed in individual(s) with dilated cardiomyopathy (Invitae). This sequence change creates a premature translational stop signal (p.Arg17193Valfs*6) in the TTN gene. While this is not anticipated to result in nonsense mediated decay, it is expected to create a truncated TTN protein. This variant is not present in population databases (ExAC no frequency).

Literature cited by the submitters: PubMed 25589632; PubMed 23975875.